The following is an entry in ClinVar:

ClinVar aggregate classification (germline): Uncertain significance (3 of 4 stars; one submission).

Conditions:
Autosomal recessive limb-girdle muscular dystrophy. Identifiers: Orphanet 102015, MedGen C2931907, MONDO:0015152.

Submission:

ClinGen Limb Girdle Muscular Dystrophy Variant Curation Expert Panel, ClinGen
Classification: Uncertain significance for Autosomal recessive limb-girdle muscular dystrophy. Last evaluated: 2025-12-03. Review status: reviewed by expert panel. Criteria: ClinGen LGMD VCEP ACMG Specifications DYSF V2.0.0. Collection method: curation. Allele origin: germline. Inheritance: Autosomal recessive inheritance.
Comment: The NM_003494.4: c.5668G>A variant in DYSF, which is also known as NM_001130987.2: c.5785G>A p.(Asp1929Asn), is a missense variant predicted to cause substitution of aspartic acid to asparagine at amino acid 1890, p.(Asp1890Asn). It affects the first nucleotide of exon 51, but the SpliceAI prediction score is 0, suggesting the variant does not impact splicing. This variant has been observed in a homozygous state in an individual with suspected LGMD without reported familial consanguinity (0.5 pts, GRASP-LGMD Consortium internal data communication) (PM3_Supporting; PP4). This variant is absent from gnomAD v4.1.0 (PM2_Supporting). The computational predictor REVEL gives a score of 0.4 (PP3 and BP4 not met). In summary, due to insufficient evidence, this variant is classified as a variant of uncertain significance for autosomal recessive limb-girdle muscular dystrophy based on the ACMG/AMP criteria applied, as specified by the ClinGen LGMD VCEP (LGMD VCEP specifications version 2.0.0; 12/03/2025): PM2_Supporting, PM3_Supporting, PP4.

NM_001130987.2(DYSF):c.5785G>A (p.Asp1929Asn)

Gene: DYSF (dysferlin; plus strand). Cytogenetic location: 2p13.2.
Variant type: single nucleotide variant.
Coding change: c.5785G>A on transcript NM_001130987.2 (MANE Select); coding-DNA position 5785, G replaced by A.
Protein change: p.Asp1929Asn; replaces aspartic acid 1929 with asparagine.
Molecular consequence: missense variant.
Genome position (GRCh38, 1-based): chr2:71,674,197, G>A. VCF-style: chr2-71674197-G-A. GRCh37 (hg19) VCF-style: chr2-71901327-G-A.
Other names: NM_003494.4:c.5668G>A; c.5671G>A, p.Asp1891Asn (NM_001130455.2); c.5626G>A, p.Asp1876Asn (NM_001130976.2); c.5689G>A, p.Asp1897Asn (NM_001130977.2); c.5731G>A, p.Asp1911Asn (NM_001130978.2); c.5761G>A, p.Asp1921Asn (NM_001130979.2); c.5719G>A, p.Asp1907Asn (NM_001130980.2); c.5782G>A, p.Asp1928Asn (NM_001130981.2); and 6 more; short protein forms D1898N, D1907N, D1908N, D1911N, D1912N, D1921N, D1922N, D1928N.
Identifiers: ClinVar variation 4684969 (VCV004684969.1).